The following is an entry in ClinVar:

NM_032119.4(ADGRV1):c.3908dup (p.Leu1303fs)

Gene: ADGRV1 (adhesion G protein-coupled receptor V1; plus strand). Cytogenetic location: 5q14.3.
Variant type: Duplication.
Coding change: c.3908dup on transcript NM_032119.4 (MANE Select); coding-DNA position 3908, one base duplicated (T; older notation c.3908dupT).
Protein change: p.Leu1303fs; shifts the reading frame from leucine 1303.
Molecular consequence: frameshift variant. On other transcripts: non-coding transcript variant (1).
Genome position (GRCh38, 1-based): chr5:90,653,482, T duplicated; the last of 6 consecutive T bases (chr5:90,653,477-90,653,482); duplicating any one gives the same sequence. VCF-style (leftmost placement, unchanged base first): chr5-90653476-A-AT. GRCh37 (hg19) VCF-style: chr5-89949293-A-AT.
Other names: short protein forms L1303fs.
Identifiers: ClinVar variation 3008485 (VCV003008485.4), dbSNP rs749681584, ClinGen allele CA3339255.

ClinVar aggregate classification (germline): Pathogenic/Likely pathogenic. Review status: criteria provided, multiple submitters, no conflicts (2 of 4 stars). 2 submissions from 2 submitters: Pathogenic (1); Likely pathogenic (1). Last evaluated 2024-03-13.

Conditions:
Febrile seizures, familial, 4 (FEB4). Also called: CONVULSIONS, FAMILIAL FEBRILE, 4. Identifiers: MedGen C1858493, MONDO:0011443, OMIM 604352.
Usher syndrome type 2C. Also called: USHER SYNDROME, TYPE IIC; Usher syndrome, type 2B. Identifiers: Orphanet 231178, Orphanet 886, MedGen C2931213, MONDO:0011558, OMIM 605472.

Submissions (2):

Labcorp Genetics (formerly Invitae), Labcorp
Classification: Pathogenic. Last evaluated: 2024-03-13. Review status: criteria provided, single submitter. Criteria: Invitae Variant Classification Sherloc (09022015). Collection method: clinical testing. Allele origin: germline.
Comment: This sequence change creates a premature translational stop signal (p.Leu1303Phefs*39) in the ADGRV1 gene. It is expected to result in an absent or disrupted protein product. Loss-of-function variants in ADGRV1 are known to be pathogenic (PMID: 19357117, 22135276, 22147658, 26226137, 30718709, 31047384, 32467589). This variant is present in population databases (rs749681584, gnomAD 0.003%). This variant has not been reported in the literature in individuals affected with ADGRV1-related conditions. For these reasons, this variant has been classified as Pathogenic.

Fulgent Genetics
Classification: Likely pathogenic for Febrile seizures, familial, 4; Usher syndrome type 2C. Last evaluated: 2024-01-15. Review status: criteria provided, single submitter. Criteria: ACMG Guidelines, 2015. Collection method: clinical testing. Allele origin: germline.

Literature cited by the submitters: PubMed 19357117 (cited by Labcorp Genetics (formerly Invitae), Labcorp); PubMed 22135276 (cited by Labcorp Genetics (formerly Invitae), Labcorp); PubMed 22147658 (cited by Labcorp Genetics (formerly Invitae), Labcorp); PubMed 26226137 (cited by Labcorp Genetics (formerly Invitae), Labcorp); PubMed 30718709 (cited by Labcorp Genetics (formerly Invitae), Labcorp); PubMed 31047384 (cited by Labcorp Genetics (formerly Invitae), Labcorp); PubMed 32467589 (cited by Labcorp Genetics (formerly Invitae), Labcorp).